The following is an entry in ClinVar:

NM_207421.4(PADI6):c.1515C>T (p.Ala505=)

Gene: PADI6 (peptidyl arginine deiminase 6; plus strand). Cytogenetic location: 1p36.13.
Variant type: single nucleotide variant.
Coding change: c.1515C>T on transcript NM_207421.4 (MANE Select); coding-DNA position 1515, C replaced by T.
Protein change: p.Ala505=; no amino-acid change (alanine 505 retained).
Molecular consequence: synonymous variant.
Genome position (GRCh38, 1-based): chr1:17,395,560, C>T. VCF-style: chr1-17395560-C-T. GRCh37 (hg19) VCF-style: chr1-17722056-C-T.
Identifiers: ClinVar variation 3054430 (VCV003054430.2), dbSNP rs759485433, ClinGen allele CA641793.

ClinVar aggregate classification (germline): Likely benign (0 of 4 stars; one submission).

Conditions:
PADI6-related disorder. Also called: PADI6-related condition.

Allele frequency attached by ClinVar (database versions not stated): ExAC 0.00004; gnomAD exomes 0.00004; TOPMed 0.00005; gnomAD 0.00006.
gnomAD v4.1: 72 of 1,559,406 alleles (0.0046%); highest among the groups gnomAD compares: Non-Finnish European, 0.0054%; no homozygotes.

Submission:

PreventionGenetics, part of Exact Sciences
Classification: Likely benign for PADI6-related condition. Last evaluated: 2020-04-24. Review status: no assertion criteria provided. Collection method: clinical testing. Allele origin: germline.
Comment: This variant is classified as likely benign based on ACMG/AMP sequence variant interpretation guidelines (Richards et al. 2015 PMID: 25741868, with internal and published modifications).